The following is an entry in ClinVar:

NM_007294.3(BRCA1):c.(5074+1-5075-1)_(5193+1_5194-1)del

Gene: BRCA1 (BRCA1 DNA repair associated; minus strand).
Variant type: Deletion.
Coding change: c.(5074+1-5075-1)_(5193+1_5194-1)del on transcript NM_007294.3; a large deletion whose breakpoints are not mapped to the base.
Other names: c.(5074+1-5075-1)_(5193+1_5194-1)del (LRG_292t1).
Identifiers: ClinVar variation 584572 (VCV000584572.2).

ClinVar aggregate classification (germline): Pathogenic (1 of 4 stars; one submission).

Conditions:
Hereditary cancer-predisposing syndrome. Also called: Neoplastic Syndromes, Hereditary; Hereditary Cancer Syndrome; Tumor predisposition; Hereditary neoplastic syndrome. Identifiers: Orphanet 140162, MedGen C0027672, MeSH D009386, MONDO:0015356.

Submission:

GeneKor MSA
Classification: Pathogenic for Hereditary cancer-predisposing syndrome. Last evaluated: 2020-01-01. Review status: criteria provided, single submitter. Criteria: ACMG Guidelines, 2015. Collection method: clinical testing. Allele origin: germline.
Comment: This variant is a large genomic deletion which encompasses two exons (17-18) of the BRCA1 gene. This variant results in an out-of-frame deletion of 39 amino acid residues and an unrecognizable protein product after position 1692 finally creating a novel termination codon 2 amino acid residues later. It is expected to result in an absent or disrupted protein product. Truncating variants in BRCA1 are known to be pathogenic (PMID: 20104584). This variant has been described in the international literature in the individuals with breast cancer (PMID: 17018160) and in an individual undergoing panel testing for hereditary syndrome (PMID: 31159747). For these reasons this variant has been classified as pathogenic.

deletion of exons 17-18